The following is an entry in ClinVar:

NM_001386135.1(AFF3):c.2656G>A (p.Ala886Thr)

Gene: AFF3 (ALF transcription elongation factor 3; minus strand). Cytogenetic location: 2q11.2.
Variant type: single nucleotide variant.
Coding change: c.2656G>A on transcript NM_001386135.1 (MANE Select); coding-DNA position 2656, G replaced by A.
Protein change: p.Ala886Thr; replaces alanine 886 with threonine.
Molecular consequence: missense variant.
Genome position (GRCh38, 1-based): chr2:99,582,935, C>T on the plus strand (G>A on the coding strand, the complement: AFF3 is on the minus strand). VCF-style: chr2-99582935-C-T. GRCh37 (hg19) VCF-style: chr2-100199397-C-T.
Other names: c.2731G>A, p.Ala911Thr (NM_001025108.2); c.2656G>A, p.Ala886Thr (NM_002285.3); short protein forms A886T, A911T.
Identifiers: ClinVar variation 3359762 (VCV003359762.1).
Genomic context (GRCh38, chr2:99,582,935, plus strand): 5'-TGTTGCCATTAGGTCGGCTGGAAGAAGTTAAGTCCTCGCTGGTGTATTTGTGTTTAGATG[C>T]ATCAGAGAGGGGTGAGATGGGCGACCGAAGCATTTTTTCATTTTTATTTATTGGTATTGC-3'
Protein context (NP_001373064.1, residues 876-896): LRSPISPLSD[Ala886Thr]SKHKYTSEDL

ClinVar aggregate classification (germline): Uncertain significance (1 of 4 stars; one submission).

Submission:

GeneDx
Classification: Uncertain significance. Last evaluated: 2023-06-14. Review status: criteria provided, single submitter. Criteria: GeneDx Variant Classification Process June 2021. Collection method: clinical testing. Allele origin: germline. Affected: yes.
Comment: Not observed at significant frequency in large population cohorts (gnomAD); In silico analysis supports that this missense variant does not alter protein structure/function; Has not been previously published as pathogenic or benign to our knowledge